The following is an entry in ClinVar:

NM_001036.6(RYR3):c.4700C>T (p.Ala1567Val)

Gene: RYR3 (ryanodine receptor 3; plus strand). Cytogenetic location: 15q14.
Variant type: single nucleotide variant.
Coding change: c.4700C>T on transcript NM_001036.6 (MANE Select); coding-DNA position 4700, C replaced by T.
Protein change: p.Ala1567Val; replaces alanine 1567 with valine.
Molecular consequence: missense variant.
Genome position (GRCh38, 1-based): chr15:33,662,230, C>T. VCF-style: chr15-33662230-C-T. GRCh37 (hg19) VCF-style: chr15-33954431-C-T.
Other names: c.4700C>T, p.Ala1567Val (NM_001243996.4); short protein forms A1567V.
Identifiers: ClinVar variation 461916 (VCV000461916.8), dbSNP rs375544562, ClinGen allele CA7459093.

ClinVar aggregate classification (germline): Uncertain significance (1 of 4 stars; one submission).

Conditions:
Epileptic encephalopathy. Identifiers: MedGen C0543888, HP:0200134.

Allele frequency attached by ClinVar (database versions not stated): ExAC 0.00001; TOPMed 0.00003; gnomAD exomes 0.00002; gnomAD 0.00002; ESP Exome Variant Server 0.00008.
gnomAD v4.1: 27 of 1,608,994 alleles (0.0017%); highest among the groups gnomAD compares: East Asian, 0.0045%; no homozygotes.

Submission:

Labcorp Genetics (formerly Invitae), Labcorp
Classification: Uncertain significance for Epileptic encephalopathy. Last evaluated: 2022-02-11. Review status: criteria provided, single submitter. Criteria: Invitae Variant Classification Sherloc (09022015). Collection method: clinical testing. Allele origin: germline.
Comment: This variant has not been reported in the literature in individuals affected with RYR3-related conditions. ClinVar contains an entry for this variant (Variation ID: 461916). Algorithms developed to predict the effect of missense changes on protein structure and function are either unavailable or do not agree on the potential impact of this missense change (SIFT: "Deleterious"; PolyPhen-2: "Possibly Damaging"; Align-GVGD: "Class C0"). In summary, the available evidence is currently insufficient to determine the role of this variant in disease. Therefore, it has been classified as a Variant of Uncertain Significance. The frequency data for this variant in the population databases is considered unreliable, as metrics indicate poor data quality at this position in the gnomAD database. This sequence change replaces alanine, which is neutral and non-polar, with valine, which is neutral and non-polar, at codon 1567 of the RYR3 protein (p.Ala1567Val).